The following is an entry in ClinVar:

ClinVar aggregate classification (germline): Pathogenic (1 of 4 stars; one submission).

Submission:

Labcorp Genetics (formerly Invitae), Labcorp
Classification: Pathogenic. Last evaluated: 2024-08-07. Review status: criteria provided, single submitter. Criteria: Invitae Variant Classification Sherloc (09022015). Collection method: clinical testing. Allele origin: germline.
Comment: This sequence change creates a premature translational stop signal (p.Trp176*) in the ASAH1 gene. It is expected to result in an absent or disrupted protein product. Loss-of-function variants in ASAH1 are known to be pathogenic (PMID: 24164096, 24355074). This variant is not present in population databases (gnomAD no frequency). This variant has not been reported in the literature in individuals affected with ASAH1-related conditions. Algorithms developed to predict the effect of sequence changes on RNA splicing suggest that this variant may disrupt the consensus splice site. For these reasons, this variant has been classified as Pathogenic.

Literature cited by the submitters: PubMed 24164096; PubMed 24355074.

NM_177924.5(ASAH1):c.528G>A (p.Trp176Ter)

Gene: ASAH1 (N-acylsphingosine amidohydrolase 1; minus strand). Cytogenetic location: 8p22.
Variant type: single nucleotide variant.
Coding change: c.528G>A on transcript NM_177924.5 (MANE Select); coding-DNA position 528, G replaced by A.
Protein change: p.Trp176Ter; replaces tryptophan 176 with a stop codon.
Molecular consequence: nonsense.
Genome position (GRCh38, 1-based): chr8:18,062,399, C>T on the plus strand (G>A on the coding strand, the complement: ASAH1 is on the minus strand). VCF-style: chr8-18062399-C-T. GRCh37 (hg19) VCF-style: chr8-17919908-C-T.
Other names: c.510G>A, p.Trp170Ter (NM_001127505.3); c.333G>A, p.Trp111Ter (NM_001363743.2); c.576G>A, p.Trp192Ter (NM_004315.6); short protein forms W192*, W111*, W170*, W176*.
Identifiers: ClinVar variation 3661639 (VCV003661639.2).